The following is an entry in ClinVar:

ClinVar aggregate classification (germline): Likely benign. Review status: criteria provided, multiple submitters, no conflicts (2 of 4 stars). 2 submissions from 2 submitters: Likely benign (2). Last evaluated 2026-07-14.

Conditions:
FLNC-related disorder. Also called: FLNC-related disorders; FLNC-related condition.
Myofibrillar myopathy 5. Also called: Filaminopathy (type); FILAMINOPATHY, AUTOSOMAL DOMINANT. Identifiers: Orphanet 171445, MedGen C1836050, MONDO:0012289, OMIM 609524.
Distal myopathy with posterior leg and anterior hand involvement. Also called: WILLIAMS DISTAL MYOPATHY. Identifiers: Orphanet 63273, MedGen C3279722, MONDO:0013550, OMIM 614065.
Hypertrophic cardiomyopathy 26. Also called: Cardiomyopathy, familial hypertrophic, 26. Identifiers: Orphanet 75249, MedGen C4310749, MONDO:0014883, OMIM 617047.

Allele frequency attached by ClinVar (database versions not stated): gnomAD exomes 0.00002 and 0.00005; TOPMed 0.00002; gnomAD 0.00003; ExAC 0.00004.
gnomAD v4.1: 34 of 1,605,830 alleles (0.0021%); highest among the groups gnomAD compares: South Asian, 0.0099%; 1 homozygote.

Submissions (2):

PreventionGenetics, part of Exact Sciences
Classification: Likely benign for FLNC-related condition. Last evaluated: 2026-07-14. Review status: criteria provided, single submitter. Criteria: ACMG Guidelines, 2015. Collection method: clinical testing. Allele origin: germline.
Comment: This variant is classified as likely benign based on ACMG/AMP sequence variant interpretation guidelines (Richards et al. 2015 PMID: 25741868, with internal and published modifications).

Labcorp Genetics (formerly Invitae), Labcorp
Classification: Likely benign for Distal myopathy with posterior leg and anterior hand involvement; Myofibrillar myopathy 5; Hypertrophic cardiomyopathy 26. Last evaluated: 2025-10-06. Review status: criteria provided, single submitter. Criteria: Invitae Variant Classification Sherloc (09022015). Collection method: clinical testing. Allele origin: germline.

NM_001458.5(FLNC):c.6727+9C>T

Genes: FLNC-AS1 (FLNC antisense RNA 1; minus strand), FLNC (filamin C; plus strand). Cytogenetic location: 7q32.1.
Variant type: single nucleotide variant.
Coding change: c.6727+9C>T on transcript NM_001458.5 (MANE Select); 9 bases into the intron after coding-DNA position 6727, C replaced by T.
Molecular consequence: intron variant.
Genome position (GRCh38, 1-based): chr7:128,854,225, C>T. VCF-style: chr7-128854225-C-T. GRCh37 (hg19) VCF-style: chr7-128494279-C-T.
Other names: c.6628+9C>T (NM_001127487.2).
Identifiers: ClinVar variation 704990 (VCV000704990.12), dbSNP rs770803250, ClinGen allele CA4476059.